The following is an entry in ClinVar:

ClinVar aggregate classification (germline): Uncertain significance (1 of 4 stars; one submission).

Conditions:
Cortical dysplasia-focal epilepsy syndrome (PTHSL1). Also called: Pitt-Hopkins-like syndrome 1. Identifiers: Orphanet 163681, Orphanet 221150, MedGen C2750246, MONDO:0012400, OMIM 610042.

Submission:

Labcorp Genetics (formerly Invitae), Labcorp
Classification: Uncertain significance for Cortical dysplasia-focal epilepsy syndrome. Last evaluated: 2021-04-08. Review status: criteria provided, single submitter. Criteria: Invitae Variant Classification Sherloc (09022015). Collection method: clinical testing. Allele origin: germline.
Comment: This variant is not present in population databases (ExAC no frequency). In summary, the available evidence is currently insufficient to determine the role of this variant in disease. Therefore, it has been classified as a Variant of Uncertain Significance. Algorithms developed to predict the effect of sequence changes on RNA splicing suggest that this variant may create or strengthen a splice site, but this prediction has not been confirmed by published transcriptional studies. Algorithms developed to predict the effect of missense changes on protein structure and function are either unavailable or do not agree on the potential impact of this missense change (SIFT: "Deleterious"; PolyPhen-2: "Benign"; Align-GVGD: "Class C45"). This variant has not been reported in the literature in individuals with CNTNAP2-related conditions. This sequence change replaces asparagine with serine at codon 735 of the CNTNAP2 protein (p.Asn735Ser). The asparagine residue is highly conserved and there is a small physicochemical difference between asparagine and serine.

NM_014141.6(CNTNAP2):c.2204A>G (p.Asn735Ser)

Gene: CNTNAP2 (contactin associated protein 2; plus strand). Cytogenetic location: 7q35.
Variant type: single nucleotide variant.
Coding change: c.2204A>G on transcript NM_014141.6 (MANE Select); coding-DNA position 2204, A replaced by G.
Protein change: p.Asn735Ser; replaces asparagine 735 with serine.
Molecular consequence: missense variant.
Genome position (GRCh38, 1-based): chr7:147,903,670, A>G. VCF-style: chr7-147903670-A-G. GRCh37 (hg19) VCF-style: chr7-147600762-A-G.
Other names: short protein forms N735S.
Identifiers: ClinVar variation 1358293 (VCV001358293.8), dbSNP rs2116752398, ClinGen allele CA369927021.